The following is an entry in ClinVar:

ClinVar aggregate classification (germline): Uncertain significance (1 of 4 stars; one submission).

Submission:

GeneDx
Classification: Uncertain significance. Last evaluated: 2023-02-15. Review status: criteria provided, single submitter. Criteria: GeneDx Variant Classification Process June 2021. Collection method: clinical testing. Allele origin: germline. Affected: yes.
Comment: Not observed at significant frequency in large population cohorts (gnomAD); In silico analysis supports that this missense variant does not alter protein structure/function; Has not been previously published as pathogenic or benign to our knowledge

NM_001282534.2(KCNK9):c.107G>A (p.Arg36His)

Genes: KCNK9 (potassium two pore domain channel subfamily K member 9; minus strand), LOC124188239 (Sharpr-MPRA regulatory region 3867; plus strand). Cytogenetic location: 8q24.3.
Variant type: single nucleotide variant.
Coding change: c.107G>A on transcript NM_001282534.2 (MANE Select); coding-DNA position 107, G replaced by A.
Protein change: p.Arg36His; replaces arginine 36 with histidine.
Molecular consequence: missense variant. On other transcripts: non-coding transcript variant (1).
Genome position (GRCh38, 1-based): chr8:139,702,886, C>T on the plus strand (G>A on the coding strand, the complement: KCNK9 is on the minus strand). VCF-style: chr8-139702886-C-T. GRCh37 (hg19) VCF-style: chr8-140715129-C-T.
Other names: c.107G>A, p.Arg36His (NM_016601.2); short protein forms R36H.
Identifiers: ClinVar variation 2576666 (VCV002576666.1), dbSNP rs746058351, ClinGen allele CA372732042.